The following is an entry in ClinVar:

NM_000528.4(MAN2B1):c.1351_1366dup (p.His456fs)

Genes: MAN2B1 (mannosidase alpha class 2B member 1; minus strand), LOC129391064 (MPRA-validated peak3365 silencer; plus strand). Cytogenetic location: 19p13.13.
Variant type: Duplication.
Coding change: c.1351_1366dup on transcript NM_000528.4 (MANE Select); coding-DNA positions 1351 to 1366, 16 bases duplicated (GGCACCTCCCGCCAGC).
Protein change: p.His456fs; shifts the reading frame from histidine 456.
Molecular consequence: frameshift variant.
Genome position (GRCh38, 1-based): chr19:12,657,499-12,657,514, GCTGGCGGGAGGTGCC duplicated on the plus strand (GGCACCTCCCGCCAGC on the coding strand, the reverse complement: MAN2B1 is on the minus strand); duplicating any 16 consecutive bases within chr19:12,657,499-12,657,518 gives the same sequence; the c. name uses the placement nearest the transcript's 3' end. VCF-style (leftmost placement, unchanged base first): chr19-12657498-T-TGCTGGCGGGAGGTGCC. GRCh37 (hg19) VCF-style: chr19-12768312-T-TGCTGGCGGGAGGTGCC.
Other names: c.1348_1363dup, p.His455fs (NM_001173498.2); c.1351_1366dupGGCACCTCCCGCCAGC (NM_000528.3); short protein forms H455fs, H456fs.
Identifiers: ClinVar variation 1071919 (VCV001071919.8), dbSNP rs2145256864, ClinGen allele CA2499225370.

ClinVar aggregate classification (germline): Pathogenic/Likely pathogenic. Review status: criteria provided, multiple submitters, no conflicts (2 of 4 stars). 2 submissions from 2 submitters: Pathogenic (1); Likely pathogenic (1). Last evaluated 2025-09-05.

Conditions:
Deficiency of alpha-mannosidase (MANSA). Also called: LYSOSOMAL ALPHA-D-MANNOSIDASE DEFICIENCY; Alpha-Mannosidosis; Mannosidosis, alpha-, types I and II. Identifiers: Orphanet 61, MedGen C0024748, MONDO:0009561, OMIM 248500.

Submissions (2):

Natera, Inc.
Classification: Likely pathogenic for Alpha-mannosidosis. Last evaluated: 2025-09-05. Review status: criteria provided, single submitter. Criteria: Natera Variant Classification Schema (03/2026). Collection method: clinical testing. Allele origin: germline.
Comment: The c.1351_1366dupGGCACCTCCCGCCAGC variant in MAN2B1 is a frameshift variant predicted to shift the reading frame beginning at codon 456 and leads to a stop codon 66 codons downstream. This variant is expected to result in nonsense mediated decay, truncation, or a dysfunctional protein product. This variant is rare in the general population with a frequency below the threshold expected for the associated phenotype(s). Given the available evidence, this variant is classified as Likely Pathogenic.

Labcorp Genetics (formerly Invitae), Labcorp
Classification: Pathogenic for Deficiency of alpha-mannosidase. Last evaluated: 2024-01-04. Review status: criteria provided, single submitter. Criteria: Invitae Variant Classification Sherloc (09022015). Collection method: clinical testing. Allele origin: germline.
Comment: This sequence change creates a premature translational stop signal (p.His456Argfs*66) in the MAN2B1 gene. It is expected to result in an absent or disrupted protein product. Loss-of-function variants in MAN2B1 are known to be pathogenic (PMID: 9915946, 22161967). This variant is not present in population databases (gnomAD no frequency). This variant has not been reported in the literature in individuals affected with MAN2B1-related conditions. ClinVar contains an entry for this variant (Variation ID: 1071919). For these reasons, this variant has been classified as Pathogenic.

Literature cited by the submitters: PubMed 9915946 (cited by Labcorp Genetics (formerly Invitae), Labcorp); PubMed 22161967 (cited by Labcorp Genetics (formerly Invitae), Labcorp).